The following is an entry in ClinVar:

NM_012245.3(SNW1):c.800G>A (p.Arg267His)

Gene: SNW1 (SNW domain containing 1; minus strand). Cytogenetic location: 14q24.3.
Variant type: single nucleotide variant.
Coding change: c.800G>A on transcript NM_012245.3 (MANE Select); coding-DNA position 800, G replaced by A.
Protein change: p.Arg267His; replaces arginine 267 with histidine.
Molecular consequence: missense variant.
Genome position (GRCh38, 1-based): chr14:77,732,576, C>T on the plus strand (G>A on the coding strand, the complement: SNW1 is on the minus strand). VCF-style: chr14-77732576-C-T. GRCh37 (hg19) VCF-style: chr14-78198919-C-T.
Other names: c.800G>A, p.Arg267His (NM_001318844.2); short protein forms R267H.
Identifiers: ClinVar variation 4526993 (VCV004526993.1).
Genomic context (GRCh38, chr14:77,732,576, plus strand): 5'-AATTTGGCGAAATTTTCATTTATGTGTACTGTCTGTAGTCCTCTTCCATCAGCAGCCAGA[C>T]GTTTGTCTAATGGAATTGTATAACCCTAGAGTGAAAGCAGACAGAAAACCCAGTCACAGA-3'
Protein context (NP_036377.1, residues 257-277): AKGYTIPLDK[Arg267His]LAADGRGLQT

ClinVar aggregate classification (germline): Uncertain significance (1 of 4 stars; one submission).

Submission:

GeneDx
Classification: Uncertain significance. Last evaluated: 2024-10-09. Review status: criteria provided, single submitter. Criteria: GeneDx Variant Classification Process June 2021. Collection method: clinical testing. Allele origin: germline. Affected: yes.
Comment: Not observed at significant frequency in large population cohorts (gnomAD); In silico analysis supports that this missense variant has a deleterious effect on protein structure/function; Has not been previously published as pathogenic or benign to our knowledge; Variants in candidate genes are classified as variants of uncertain significance in accordance with ACMG guidelines (PMID: 25741868)